The following is an entry in ClinVar:

ClinVar aggregate classification (germline): Uncertain significance (1 of 4 stars; one submission).

Conditions:
Neutral lipid storage myopathy (NLSDM). Also called: NEUTRAL LIPID STORAGE DISEASE WITHOUT ICHTHYOSIS. Identifiers: Orphanet 98908, MedGen C1853136, MONDO:0012545, OMIM 610717.

Allele frequency attached by ClinVar (database versions not stated): gnomAD exomes below 0.00001.
gnomAD v4.1: 2 of 1,613,624 alleles (0.00012%); highest among the groups gnomAD compares: Non-Finnish European, 0.00017%; no homozygotes.

Submission:

Labcorp Genetics (formerly Invitae), Labcorp
Classification: Uncertain significance for Neutral lipid storage myopathy. Last evaluated: 2020-02-12. Review status: criteria provided, single submitter. Criteria: Invitae Variant Classification Sherloc (09022015). Collection method: clinical testing. Allele origin: germline.
Comment: In summary, the available evidence is currently insufficient to determine the role of this variant in disease. Therefore, it has been classified as a Variant of Uncertain Significance. This sequence change replaces glutamine with histidine at codon 160 of the PNPLA2 protein (p.Gln160His). The glutamine residue is moderately conserved and there is a small physicochemical difference between glutamine and histidine. This variant is not present in population databases (ExAC no frequency). This variant has not been reported in the literature in individuals with PNPLA2-related conditions. Algorithms developed to predict the effect of missense changes on protein structure and function are either unavailable or do not agree on the potential impact of this missense change (SIFT: "Deleterious"; PolyPhen-2: "Benign"; Align-GVGD: "Class C0").

NM_020376.4(PNPLA2):c.480G>C (p.Gln160His)

Gene: PNPLA2 (patatin like domain 2, triacylglycerol lipase; plus strand). Cytogenetic location: 11p15.5.
Variant type: single nucleotide variant.
Coding change: c.480G>C on transcript NM_020376.4 (MANE Select); coding-DNA position 480, G replaced by C.
Protein change: p.Gln160His; replaces glutamine 160 with histidine.
Molecular consequence: missense variant.
Genome position (GRCh38, 1-based): chr11:822,017, G>C. VCF-style: chr11-822017-G-C. GRCh37 (hg19) VCF-style: chr11-822017-G-C.
Other names: short protein forms Q160H.
Identifiers: ClinVar variation 1026881 (VCV001026881.9), dbSNP rs1398922597, ClinGen allele CA378979849.